The following is an entry in ClinVar:

NM_006180.6(NTRK2):c.1634-9915_1634-9914insGAAG

Gene: NTRK2 (neurotrophic receptor tyrosine kinase 2; plus strand). Cytogenetic location: 9q21.33.
Variant type: Insertion.
Coding change: c.1634-9915_1634-9914insGAAG on transcript NM_006180.6 (MANE Select); 9915 bases into the intron before coding-DNA position 1634 through 9914 bases into the intron before coding-DNA position 1634, GAAG inserted.
Molecular consequence: intron variant.
Genome position: GRCh38 VCF-style: chr9-84924244-A-AAAGG. GRCh37 (hg19) VCF-style: chr9-87539159-A-AAAGG.
Other names: c.1586-9915_1586-9914insGAAG (NM_001369532.1, NM_001369533.1, NM_001018064.3); c.1550-9915_1550-9914insGAAG (NM_001369534.1); c.1166-9915_1166-9914insGAAG (NM_001369536.1); c.1118-9915_1118-9914insGAAG (NM_001369535.1).
Identifiers: ClinVar variation 3389460 (VCV003389460.14).

ClinVar aggregate classification (germline): Likely benign (1 of 4 stars; one submission).

Submission:

CeGaT Center for Human Genetics Tuebingen
Classification: Likely benign. Last evaluated: 2024-11-01. Review status: criteria provided, single submitter. Criteria: CeGaT Center For Human Genetics Tuebingen Variant Classification Criteria Version 2. Collection method: clinical testing. Allele origin: germline. Affected: yes. Observed: 1 variant allele.
Comment: NTRK2: BS1